The following is an entry in ClinVar:

ClinVar aggregate classification (germline): Likely benign. Review status: criteria provided, single submitter (1 of 4 stars). 2 submissions from 2 submitters: Likely benign (1). 1 of the submissions does not count toward it. Last evaluated 2026-09-01.

Conditions:
RAC3-related disorder. Also called: RAC3-related condition.

gnomAD v4.1: 69 of 1,598,122 alleles (0.0043%); highest among the groups gnomAD compares: Admixed American, 0.11%; 1 homozygote.

Submissions (2):

CeGaT Center for Human Genetics Tuebingen
Classification: Likely benign. Last evaluated: 2026-09-01. Review status: criteria provided, single submitter. Criteria: CeGaT Center For Human Genetics Tuebingen Variant Classification Criteria Version 2. Collection method: clinical testing. Allele origin: germline. Affected: yes. Observed: 2 variant alleles.
Comment: RAC3: BP4, BP7

PreventionGenetics, part of Exact Sciences
Classification: Likely benign for RAC3-related condition. Last evaluated: 2024-07-24. Review status: no assertion criteria provided. Collection method: clinical testing. Allele origin: germline. Not counted in ClinVar's aggregate classification.
Comment: This variant is classified as likely benign based on ACMG/AMP sequence variant interpretation guidelines (Richards et al. 2015 PMID: 25741868, with internal and published modifications).

NM_005052.3(RAC3):c.573C>T (p.Val191=)

Gene: RAC3 (Rac family small GTPase 3; plus strand). Cytogenetic location: 17q25.3.
Variant type: single nucleotide variant.
Coding change: c.573C>T on transcript NM_005052.3 (MANE Select); coding-DNA position 573, C replaced by T.
Protein change: p.Val191=; no amino-acid change (valine 191 retained).
Molecular consequence: synonymous variant. On other transcripts: 3 prime UTR variant (1).
Genome position (GRCh38, 1-based): chr17:82,033,823, C>T. VCF-style: chr17-82033823-C-T. GRCh37 (hg19) VCF-style: chr17-79991699-C-T.
Other names: c.*64C>T (NM_001316307.2).
Identifiers: ClinVar variation 3352104 (VCV003352104.3).